The following is an entry in ClinVar:

NM_001626.6(AKT2):c.711G>C (p.Leu237=)

Gene: AKT2 (AKT serine/threonine kinase 2; minus strand). Cytogenetic location: 19q13.2.
Variant type: single nucleotide variant.
Coding change: c.711G>C on transcript NM_001626.6 (MANE Select); coding-DNA position 711, G replaced by C.
Protein change: p.Leu237=; no amino-acid change (leucine 237 retained).
Molecular consequence: synonymous variant.
Genome position (GRCh38, 1-based): chr19:40,238,089, C>G on the plus strand (G>C on the coding strand, the complement: AKT2 is on the minus strand). VCF-style: chr19-40238089-C-G. GRCh37 (hg19) VCF-style: chr19-40743996-C-G.
Other names: c.525G>C, p.Leu175= (NM_001243027.3, NM_001243028.3); c.711G>C, p.Leu237= (NM_001330511.1).
Identifiers: ClinVar variation 715159 (VCV000715159.31), dbSNP rs776435289, ClinGen allele CA9441695.
Genomic context (GRCh38, chr19:40,238,089, plus strand): 5'-TGCACCATAAAACCGGGCCCGCTCCTCTGTGAAGACACGCTCCCGGGACAGGTGGAAGAA[C>G]AGCTGCAGGAGGAAGGGGTGGGGAGAGGAGGTCAGGCCCCAGCCCACCCACCTGCCCTCA-3'
Protein context (NP_001617.1, residues 227-247): FVMEYANGGE[Leu237=]FFHLSRERVF

ClinVar aggregate classification (germline): Conflicting classifications of pathogenicity. Review status: criteria provided, conflicting classifications (1 of 4 stars). 3 submissions from 3 submitters: Uncertain significance (1); Likely benign (2). Last evaluated 2026-04-29.

Conditions:
Hypoinsulinemic hypoglycemia and body hemihypertrophy. Also called: Hypoinsulinemic hypoglycemia and hemihypertrophy. Identifiers: Orphanet 293964, MedGen C3278384, MONDO:0009416, OMIM 240900.
Type 2 diabetes mellitus. Also called: Type II diabetes mellitus. Identifiers: MedGen C0011860, MeSH D003924, MONDO:0005148, OMIM 125853, HP:0005978.

Allele frequency attached by ClinVar (database versions not stated): gnomAD 0.00003; TOPMed 0.00004.
gnomAD v4.1: 83 of 1,595,040 alleles (0.0052%); highest among the groups gnomAD compares: Middle Eastern, 0.033%; no homozygotes.

Submissions (3):

Women's Health and Genetics/Laboratory Corporation of America, LabCorp
Classification: Uncertain significance. Last evaluated: 2026-04-29. Review status: criteria provided, single submitter. Criteria: LabCorp Variant Classification Summary - May 2015. Collection method: clinical testing. Allele origin: germline.
Comment: Variant summary: AKT2 c.711G>C (p.Leu237Leu) alters a conserved nucleotide located close to a canonical splice site and therefore could affect mRNA splicing, leading to a significantly altered protein sequence. Consensus agreement among computation tools predict no significant impact on normal splicing. However, these predictions have yet to be confirmed by functional studies. The variant allele was found at a frequency of 0.0001 in 216694 control chromosomes. This frequency is not significantly higher than estimated for disease-causing variants in AKT2, allowing no conclusion about variant significance. To our knowledge, no occurrence of c.711G>C in individuals affected with AKT2-related conditions and no experimental evidence demonstrating its impact on protein function have been reported. ClinVar contains an entry for this variant (Variation ID: 715159). Based on the evidence outlined above, the variant was classified as uncertain significance.

Labcorp Genetics (formerly Invitae), Labcorp
Classification: Likely benign for Hypoinsulinemic hypoglycemia and body hemihypertrophy; Type 2 diabetes mellitus. Last evaluated: 2026-01-19. Review status: criteria provided, single submitter. Criteria: Invitae Variant Classification Sherloc (09022015). Collection method: clinical testing. Allele origin: germline.

CeGaT Center for Human Genetics Tuebingen
Classification: Likely benign. Last evaluated: 2024-05-01. Review status: criteria provided, single submitter. Criteria: CeGaT Center For Human Genetics Tuebingen Variant Classification Criteria Version 2. Collection method: clinical testing. Allele origin: germline. Affected: yes. Observed: 1 variant allele.
Comment: AKT2: BP4, BP7